The following is an entry in ClinVar:

NM_016579.4(CD320):c.502G>A (p.Gly168Arg)

Gene: CD320 (CD320 molecule; minus strand). Cytogenetic location: 19p13.2.
Variant type: single nucleotide variant.
Coding change: c.502G>A on transcript NM_016579.4 (MANE Select); coding-DNA position 502, G replaced by A.
Protein change: p.Gly168Arg; replaces glycine 168 with arginine.
Molecular consequence: missense variant.
Genome position (GRCh38, 1-based): chr19:8,303,855, C>T on the plus strand (G>A on the coding strand, the complement: CD320 is on the minus strand). VCF-style: chr19-8303855-C-T. GRCh37 (hg19) VCF-style: chr19-8368739-C-T.
Other names: c.376G>A, p.Gly126Arg (NM_001165895.2); short protein forms G126R, G168R.
Identifiers: ClinVar variation 2800008 (VCV002800008.3), dbSNP rs1460550191, ClinGen allele CA403711091.

ClinVar aggregate classification (germline): Uncertain significance (1 of 4 stars; one submission).

Conditions:
Methylmalonic acidemia due to transcobalamin receptor defect (MATR). Also called: METHYLMALONIC ACIDEMIA, TCblR TYPE; METHYLMALONIC ACIDURIA, TRANSIENT, DUE TO TRANSCOBALAMIN RECEPTOR DEFECT. Identifiers: Orphanet 280183, MedGen C4749905, MONDO:0013341, OMIM 613646.

Submission:

Labcorp Genetics (formerly Invitae), Labcorp
Classification: Uncertain significance for Methylmalonic acidemia due to transcobalamin receptor defect. Last evaluated: 2022-11-14. Review status: criteria provided, single submitter. Criteria: Invitae Variant Classification Sherloc (09022015). Collection method: clinical testing. Allele origin: germline.
Comment: This sequence change replaces glycine, which is neutral and non-polar, with arginine, which is basic and polar, at codon 168 of the CD320 protein (p.Gly168Arg). This variant also falls at the last nucleotide of exon 3, which is part of the consensus splice site for this exon. This variant is not present in population databases (gnomAD no frequency). This variant has not been reported in the literature in individuals affected with CD320-related conditions. Algorithms developed to predict the effect of missense changes on protein structure and function are either unavailable or do not agree on the potential impact of this missense change (SIFT: "Tolerated"; PolyPhen-2: "Probably Damaging"; Align-GVGD: "Class C0"). Variants that disrupt the consensus splice site are a relatively common cause of aberrant splicing (PMID: 17576681, 9536098). Algorithms developed to predict the effect of sequence changes on RNA splicing suggest that this variant may disrupt the consensus splice site. In summary, the available evidence is currently insufficient to determine the role of this variant in disease. Therefore, it has been classified as a Variant of Uncertain Significance.

Literature cited by the submitters: PubMed 17576681; PubMed 9536098.